The following is an entry in ClinVar:

NM_000553.6(WRN):c.452T>A (p.Phe151Tyr)

Gene: WRN (WRN RecQ like helicase; plus strand). Cytogenetic location: 8p12.
Variant type: single nucleotide variant.
Coding change: c.452T>A on transcript NM_000553.6 (MANE Select); coding-DNA position 452, T replaced by A.
Protein change: p.Phe151Tyr; replaces phenylalanine 151 with tyrosine.
Molecular consequence: missense variant.
Genome position (GRCh38, 1-based): chr8:31,065,011, T>A. VCF-style: chr8-31065011-T-A. GRCh37 (hg19) VCF-style: chr8-30922527-T-A.
Other names: short protein forms F151Y.
Identifiers: ClinVar variation 458486 (VCV000458486.14), dbSNP rs200456571, ClinGen allele CA4704070.
Genomic context (GRCh38, chr8:31,065,011, plus strand): 5'-AAGCAGTTAAAAAGGCAGGTGTAGGAATTGAAGGAGATCAGTGGAAACTTCTACGTGACT[T>A]TGATATCAAATTGAAGAATTTTGTGGAGTTGACAGATGTTGCCAATAAAAAGGTAAAAGC-3'
Protein context (NP_000544.2, residues 141-161): EGDQWKLLRD[Phe151Tyr]DIKLKNFVEL

ClinVar aggregate classification (germline): Uncertain significance. Review status: criteria provided, multiple submitters, no conflicts (2 of 4 stars). 4 submissions from 4 submitters: Uncertain significance (4). Last evaluated 2026-08-06.

Conditions:
Werner syndrome (WRN). Identifiers: Orphanet 902, MedGen C0043119, MONDO:0010196, OMIM 277700.

Allele frequency attached by ClinVar (database versions not stated): gnomAD 0.00010; gnomAD exomes 0.00012; ExAC 0.00015; ESP Exome Variant Server 0.00015; TOPMed 0.00015.

Submissions (4):

OLLIN Analises Genomicas, OLLIN
Classification: Uncertain significance. Last evaluated: 2026-08-06. Review status: criteria provided, single submitter. Criteria: ACMG Guidelines 2015 PMID 25741868. Collection method: clinical testing. Allele origin: germline.
Comment: This missense variant, located in exon 5 (of 35), has been reported in ClinVar (accession VCV000458486.12) and in gnomAD with an allele frequency of 0.013%. However, to our knowledge, it has not been reported in the scientific literature. In silico analysis predicts that this variant has a tolerated effect. According to the currently available evidence, this variant has been classified as uncertain significance (PM2_P, BP4_M).

Labcorp Genetics (formerly Invitae), Labcorp
Classification: Uncertain significance for Werner syndrome. Last evaluated: 2025-11-17. Review status: criteria provided, single submitter. Criteria: Invitae Variant Classification Sherloc (09022015). Collection method: clinical testing. Allele origin: germline.
Comment: This sequence change replaces phenylalanine, which is neutral and non-polar, with tyrosine, which is neutral and polar, at codon 151 of the WRN protein (p.Phe151Tyr). This variant is present in population databases (rs200456571, gnomAD 0.02%). This variant has not been reported in the literature in individuals affected with WRN-related conditions. ClinVar contains an entry for this variant (Variation ID: 458486). An algorithm developed to predict the effect of missense changes on protein structure and function (PolyPhen-2) suggests that this variant is likely to be disruptive. In summary, the available evidence is currently insufficient to determine the role of this variant in disease. Therefore, it has been classified as a Variant of Uncertain Significance.

Dasa
Classification: Uncertain significance. Last evaluated: 2025-01-20. Review status: criteria provided, single submitter. Criteria: DASA Assertion Criteria. Collection method: clinical testing. Allele origin: germline.
Comment: NM_000553.6(WRN):c.452T>A (p.Phe151Tyr) is a missense variant that results in the substitution of phenylalanine with tyrosine. This variant is rare in population databases. Computational prediction algorithms are consistent with a benign effect. The currently available literature and clinical evidence are not sufficient to establish a definitive association between this variant and the reported condition. Therefore, this variant is classified as a variant of uncertain significance.

Illumina Laboratory Services, Illumina
Classification: Uncertain significance for Werner syndrome. Last evaluated: 2018-01-12. Review status: criteria provided, single submitter. Criteria: ICSL Variant Classification Criteria 13 December 2019. Collection method: clinical testing. Allele origin: germline.